The following is an entry in ClinVar:

ClinVar aggregate classification (germline): Likely pathogenic (1 of 4 stars; one submission).

Submission:

CeGaT Center for Human Genetics Tuebingen
Classification: Likely pathogenic. Last evaluated: 2022-12-01. Review status: criteria provided, single submitter. Criteria: CeGaT Center For Human Genetics Tuebingen Variant Classification Criteria Version 2. Collection method: clinical testing. Allele origin: germline. Affected: yes. Observed: 1 variant allele.
Comment: KCNQ2: PM1, PM2, PM6, PP3

NM_172107.4(KCNQ2):c.1632-11C>G

Gene: KCNQ2 (potassium voltage-gated channel subfamily Q member 2; minus strand). Cytogenetic location: 20q13.33.
Variant type: single nucleotide variant.
Coding change: c.1632-11C>G on transcript NM_172107.4 (MANE Select); 11 bases into the intron before coding-DNA position 1632, C replaced by G.
Molecular consequence: intron variant.
Genome position (GRCh38, 1-based): chr20:63,413,592, G>C on the plus strand (C>G on the coding strand, the complement: KCNQ2 is on the minus strand). VCF-style: chr20-63413592-G-C. GRCh37 (hg19) VCF-style: chr20-62044945-G-C.
Other names: c.1548-11C>G (NM_004518.6); c.1539-11C>G (NM_172108.5); c.1578-11C>G (NM_172106.3, NM_001382235.1).
Identifiers: ClinVar variation 1879538 (VCV001879538.29), dbSNP rs780783747, ClinGen allele CA2580098472.